The following is an entry in ClinVar:

ClinVar aggregate classification (germline): Uncertain significance. Review status: criteria provided, multiple submitters, no conflicts (2 of 4 stars). 2 submissions from 2 submitters: Uncertain significance (2). Last evaluated 2025-12-30.

Conditions:
Inborn genetic diseases. Identifiers: MedGen C0950123, MeSH D030342.
KBG syndrome (KBGS). Also called: ANKRD11-Related KBG Syndrome. Identifiers: Orphanet 2332, MedGen C0220687, MONDO:0007846, OMIM 148050.

gnomAD v4.1: 9 of 1,591,506 alleles (0.00057%); highest among the groups gnomAD compares: Admixed American, 0.012%; no homozygotes.

Submissions (2):

Labcorp Genetics (formerly Invitae), Labcorp
Classification: Uncertain significance for KBG syndrome. Last evaluated: 2025-12-30. Review status: criteria provided, single submitter. Criteria: Invitae Variant Classification Sherloc (09022015). Collection method: clinical testing. Allele origin: germline.
Comment: This sequence change replaces glutamic acid, which is acidic and polar, with lysine, which is basic and polar, at codon 1841 of the ANKRD11 protein (p.Glu1841Lys). This variant is present in population databases (no rsID available, gnomAD 0.006%). This variant has not been reported in the literature in individuals affected with ANKRD11-related conditions. ClinVar contains an entry for this variant (Variation ID: 2894811). Invitae Evidence Modeling of protein sequence and biophysical properties (such as structural, functional, and spatial information, amino acid conservation, physicochemical variation, residue mobility, and thermodynamic stability) indicates that this missense variant is not expected to disrupt ANKRD11 protein function with a negative predictive value of 95%. In summary, the available evidence is currently insufficient to determine the role of this variant in disease. Therefore, it has been classified as a Variant of Uncertain Significance.

Ambry Genetics
Classification: Uncertain significance for Inborn genetic diseases. Last evaluated: 2025-07-18. Review status: criteria provided, single submitter. Criteria: Ambry Variant Classification Scheme 2023. Collection method: clinical testing. Allele origin: germline.

NM_013275.6(ANKRD11):c.5521G>A (p.Glu1841Lys)

Gene: ANKRD11 (ankyrin repeat domain 11; minus strand). Cytogenetic location: 16q24.3.
Variant type: single nucleotide variant.
Coding change: c.5521G>A on transcript NM_013275.6 (MANE Select); coding-DNA position 5521, G replaced by A.
Protein change: p.Glu1841Lys; replaces glutamic acid 1841 with lysine.
Molecular consequence: missense variant.
Genome position (GRCh38, 1-based): chr16:89,281,021, C>T on the plus strand (G>A on the coding strand, the complement: ANKRD11 is on the minus strand). VCF-style: chr16-89281021-C-T. GRCh37 (hg19) VCF-style: chr16-89347429-C-T.
Other names: c.5521G>A, p.Glu1841Lys (NM_001256182.2, NM_001256183.2); c.5521G>A (NM_013275.4); short protein forms E1841K.
Identifiers: ClinVar variation 2894811 (VCV002894811.4), dbSNP rs1254840125, ClinGen allele CA397153876.
Genomic context (GRCh38, chr16:89,281,021, plus strand): 5'-TGGGCGACGGGAGGCCATAGTCTGGGGAGTAGTACCCTGGCGACAAGCAGGCAAACTTCT[C>T]CGCGGGAACCGGGGGCAGGGGCGCCCTGTCTTCCATCGAGGGTGGCATGGGAGAGTCGTA-3'
Protein context (NP_037407.4, residues 1831-1851): DRAPLPPVPA[Glu1841Lys]KFACLSPGYY